The following is an entry in ClinVar:

NM_001197104.2(KMT2A):c.4555A>G (p.Thr1519Ala)

Gene: KMT2A (lysine methyltransferase 2A; plus strand). Cytogenetic location: 11q23.3.
Variant type: single nucleotide variant.
Coding change: c.4555A>G on transcript NM_001197104.2 (MANE Select); coding-DNA position 4555, A replaced by G.
Protein change: p.Thr1519Ala; replaces threonine 1519 with alanine.
Molecular consequence: missense variant.
Genome position (GRCh38, 1-based): chr11:118,489,867, A>G. VCF-style: chr11-118489867-A-G. GRCh37 (hg19) VCF-style: chr11-118360582-A-G.
Other names: c.4654A>G, p.Thr1552Ala (NM_001412597.1); c.4555A>G, p.Thr1519Ala (NM_005933.4); short protein forms T1552A, T1519A.
Identifiers: ClinVar variation 2764405 (VCV002764405.3), dbSNP rs2496910241, ClinGen allele CA382833538.

ClinVar aggregate classification (germline): Uncertain significance (1 of 4 stars; one submission).

Submission:

Labcorp Genetics (formerly Invitae), Labcorp
Classification: Uncertain significance. Last evaluated: 2023-12-26. Review status: criteria provided, single submitter. Criteria: Invitae Variant Classification Sherloc (09022015). Collection method: clinical testing. Allele origin: germline.
Comment: This sequence change replaces threonine, which is neutral and polar, with alanine, which is neutral and non-polar, at codon 1519 of the KMT2A protein (p.Thr1519Ala). This variant is not present in population databases (gnomAD no frequency). This variant has not been reported in the literature in individuals affected with KMT2A-related conditions. Advanced modeling of protein sequence and biophysical properties (such as structural, functional, and spatial information, amino acid conservation, physicochemical variation, residue mobility, and thermodynamic stability) has been performed at Invitae for this missense variant, however the output from this modeling did not meet the statistical confidence thresholds required to predict the impact of this variant on KMT2A protein function. In summary, the available evidence is currently insufficient to determine the role of this variant in disease. Therefore, it has been classified as a Variant of Uncertain Significance.